The following is an entry in ClinVar:

ClinVar aggregate classification (germline): Likely benign (1 of 4 stars; one submission).

Submission:

GeneDx
Classification: Likely benign. Last evaluated: 2018-01-19. Review status: criteria provided, single submitter. Criteria: GeneDx Variant Classification (06012015). Collection method: clinical testing. Allele origin: germline. Affected: yes.
Comment: This variant is considered likely benign or benign based on one or more of the following criteria: it is a conservative change, it occurs at a poorly conserved position in the protein, it is predicted to be benign by multiple in silico algorithms, and/or has population frequency not consistent with disease.

NM_001042492.3(NF1):c.6148-12_6148-10del

Gene: NF1 (neurofibromin 1; plus strand). Cytogenetic location: 17q11.2.
Variant type: Deletion.
Coding change: c.6148-12_6148-10del on transcript NM_001042492.3 (MANE Select); 12 bases into the intron before coding-DNA position 6148 through 10 bases into the intron before coding-DNA position 6148, 3 bases deleted (GCT; older notation c.6148-12_6148-10delGCT).
Molecular consequence: intron variant.
Genome position (GRCh38, 1-based): chr17:31,336,623-31,336,625, GCT deleted; deleting any 3 consecutive bases within chr17:31,336,621-31,336,625 gives the same sequence; the c. name uses the placement nearest the transcript's 3' end. VCF-style (leftmost placement, unchanged base first): chr17-31336620-CCTG-C. GRCh37 (hg19) VCF-style: chr17-29663638-CCTG-C.
Other names: c.6085-12_6085-10del (NM_000267.4); c.6085-12_6085-10delGCT (NM_000267.3).
Identifiers: ClinVar variation 514766 (VCV000514766.1), dbSNP rs1555534655, ClinGen allele CA658798802.